The following is an entry in ClinVar:

NM_004104.5(FASN):c.3597_3608del (p.Val1201_Gln1204del)

Gene: FASN (fatty acid synthase; minus strand). Cytogenetic location: 17q25.3.
Variant type: Deletion.
Coding change: c.3597_3608del on transcript NM_004104.5 (MANE Select); coding-DNA positions 3597 to 3608, 12 bases deleted (GCAGGTGCTGGC).
Protein change: p.Val1201_Gln1204del.
Molecular consequence: inframe deletion.
Genome position (GRCh38, 1-based): chr17:82,086,378-82,086,389, GCCAGCACCTGC deleted on the plus strand (GCAGGTGCTGGC on the coding strand, the reverse complement: FASN is on the minus strand); deleting any 12 consecutive bases within chr17:82,086,378-82,086,395 gives the same sequence; the c. name uses the placement nearest the transcript's 3' end. VCF-style (leftmost placement, unchanged base first): chr17-82086377-GGCCAGCACCTGC-G. GRCh37 (hg19) VCF-style: chr17-80044253-GGCCAGCACCTGC-G.
Identifiers: ClinVar variation 462039 (VCV000462039.8), dbSNP rs1555667489, ClinGen allele CA658658714.
Genomic context (GRCh38, chr17:82,086,377, plus strand): 5'-TGCCGGGGAGTCCAGGAGGCCGCTGAGCAGAGGGTCCTCTGGCAGCTTGGGCCTCTCCTG[GGCCAGCACCTGC>G]GCCAGCTCCAGCTGCAGGTTCCCGTTGAGCTGAAGCCTGCAGGCAGCCGACAACAGCCGG-3'

ClinVar aggregate classification (germline): Uncertain significance (1 of 4 stars; one submission).

Conditions:
Epileptic encephalopathy. Identifiers: MedGen C0543888, HP:0200134.

Submission:

Labcorp Genetics (formerly Invitae), Labcorp
Classification: Uncertain significance for Epileptic encephalopathy. Last evaluated: 2017-07-24. Review status: criteria provided, single submitter. Criteria: Invitae Variant Classification Sherloc (09022015). Collection method: clinical testing. Allele origin: germline.
Comment: In summary, the available evidence is currently insufficient to determine the role of this variant in disease. Therefore, it has been classified as a Variant of Uncertain Significance. Experimental studies and prediction algorithms are not available for this variant, and the functional significance of the deleted amino acids is currently unknown. This variant has not been reported in the literature in individuals with FASN-related disease. This variant is not present in population databases (ExAC no frequency). This variant, c.3597_3608delGCAGGTGCTGGC, results in the deletion of 4 amino acids of the FASN protein (p.Val1201_Gln1204del), but otherwise preserves the integrity of the reading frame.